The following is an entry in ClinVar:

NM_000321.3(RB1):c.983dup (p.Asn328fs)

Gene: RB1 (RB transcriptional corepressor 1; plus strand). Cytogenetic location: 13q14.2.
Variant type: Duplication.
Coding change: c.983dup on transcript NM_000321.3 (MANE Select); coding-DNA position 983, one base duplicated (A; older notation c.983dupA).
Protein change: p.Asn328fs; shifts the reading frame from asparagine 328.
Molecular consequence: frameshift variant.
Genome position (GRCh38, 1-based): chr13:48,367,537, A duplicated; the last of 5 consecutive A bases (chr13:48,367,533-48,367,537); duplicating any one gives the same sequence. VCF-style (leftmost placement, unchanged base first): chr13-48367532-T-TA. GRCh37 (hg19) VCF-style: chr13-48941668-T-TA.
Other names: short protein forms N328fs.
Identifiers: ClinVar variation 1456021 (VCV001456021.8), dbSNP rs2138121175, ClinGen allele CA2573149580.

ClinVar aggregate classification (germline): Pathogenic (1 of 4 stars; one submission).

Conditions:
Retinoblastoma (RB1). Also called: RETINOBLASTOMA, SOMATIC. Identifiers: Orphanet 790, MedGen C0035335, MeSH D012175, MONDO:0008380, OMIM 180200, HP:0009919. Disease mechanism: loss of function. Inheritance: Both sporadic and heritable forms are tested..

Submission:

Labcorp Genetics (formerly Invitae), Labcorp
Classification: Pathogenic for Retinoblastoma. Last evaluated: 2020-11-06. Review status: criteria provided, single submitter. Criteria: Invitae Variant Classification Sherloc (09022015). Collection method: clinical testing. Allele origin: germline.
Comment: This variant has been observed in individual(s) with bilateral retinoblastoma (PMID: 15884040). This variant is also known as g.64369 InsA in the literature. This variant is not present in population databases (ExAC no frequency). This sequence change creates a premature translational stop signal (p.Asn328Lysfs*2) in the RB1 gene. It is expected to result in an absent or disrupted protein product. Loss-of-function variants in RB1 are known to be pathogenic (PMID: 17096365). For these reasons, this variant has been classified as Pathogenic.

Literature cited by the submitters: PubMed 15884040; PubMed 17096365.